The following is an entry in ClinVar:

ClinVar aggregate classification (germline): Likely benign (1 of 4 stars; one submission).

gnomAD v4.1: 1,983 of 1,612,896 alleles (0.12%); highest among the groups gnomAD compares: Non-Finnish European, 0.15%; 3 homozygotes.

Submission:

CeGaT Center for Human Genetics Tuebingen
Classification: Likely benign. Last evaluated: 2024-09-01. Review status: criteria provided, single submitter. Criteria: CeGaT Center For Human Genetics Tuebingen Variant Classification Criteria Version 2. Collection method: clinical testing. Allele origin: germline. Affected: yes. Observed: 1 variant allele.
Comment: NUMA1: BP4, BS2

NM_006185.4(NUMA1):c.6140C>T (p.Ser2047Leu)

Genes: IL18BP (interleukin 18 binding protein; plus strand), NUMA1 (nuclear mitotic apparatus protein 1; minus strand). Cytogenetic location: 11q13.4.
Variant type: single nucleotide variant.
Coding change: c.6140C>T on transcript NM_006185.4 (MANE Select); coding-DNA position 6140, C replaced by T.
Protein change: p.Ser2047Leu; replaces serine 2047 with leucine.
Molecular consequence: missense variant. On other transcripts: non-coding transcript variant (1).
Genome position (GRCh38, 1-based): chr11:72,004,083, G>A on the plus strand (C>T on the coding strand, the complement: NUMA1 is on the minus strand). VCF-style: chr11-72004083-G-A. GRCh37 (hg19) VCF-style: chr11-71715129-G-A.
Other names: c.6098C>T, p.Ser2033Leu (NM_001286561.2); short protein forms S2033L, S2047L.
Identifiers: ClinVar variation 3388295 (VCV003388295.14).